The following is an entry in ClinVar:

NM_000268.4(NF2):c.600-2A>T

Gene: NF2 (NF2, moesin-ezrin-radixin like (MERLIN) tumor suppressor; plus strand). Cytogenetic location: 22q12.2.
Variant type: single nucleotide variant.
Coding change: c.600-2A>T on transcript NM_000268.4 (MANE Select); the canonical splice acceptor site of the intron before coding-DNA position 600, A replaced by T.
Molecular consequence: splice acceptor variant. On other transcripts: intron variant (1).
Genome position (GRCh38, 1-based): chr22:29,658,187, A>T. VCF-style: chr22-29658187-A-T. GRCh37 (hg19) VCF-style: chr22-30054176-A-T.
Other names: c.600-2A>T (NM_016418.5, NM_181832.3, NM_001407060.1 and 4 more transcripts); c.486-2A>T (NM_001407056.1, NM_001407053.1); c.369-2A>T (NM_001407067.1); c.66-2A>T (NM_001407065.1); c.447+15902A>T (NM_181833.3); c.477-2A>T (NM_001407058.1, NM_181829.3, NM_001407054.1 and 1 more transcripts); c.474-2A>T (NM_181828.3, NM_001407055.1); c.351-2A>T (NM_001407063.1, NM_181830.3, NM_001407064.1 and 1 more transcripts).
Identifiers: ClinVar variation 4294003 (VCV004294003.1).

ClinVar aggregate classification (germline): Likely pathogenic (1 of 4 stars; one submission).

Conditions:
Neurofibromatosis, type 2 (SWNV). Also called: NF2-Related Schwannomatosis; BILATERAL ACOUSTIC NEUROFIBROMATOSIS; SCHWANNOMATOSIS, VESTIBULAR. Identifiers: Orphanet 637, MedGen C0027832, MONDO:0007039, OMIM 101000. Disease mechanism: loss of function.

Submission:

3billion
Classification: Likely pathogenic for Neurofibromatosis, type 2. Last evaluated: 2024-06-12. Review status: criteria provided, single submitter. Criteria: ACMG Guidelines, 2015. Collection method: clinical testing. Allele origin: germline. Affected: yes.
Comment: The variant is not observed in the gnomAD v4.0.0 dataset. Predicted Consequence/Location: Canonical splice site: predicted to alter splicing and result in a loss or disruption of normal protein function. Multiple pathogenic loss-of-function variants are reported downstream of the variant. In silico tools predict the variant to alter splicing and produce an abnormal transcript [SpliceAI: 1.00 (spliceogenicity >=0.2, non-spliceogenicity <0.1)]. Therefore, this variant is classified as Likely pathogenic according to the recommendation of ACMG/AMP guideline.